The following is an entry in ClinVar:

NM_000548.5(TSC2):c.4318C>T (p.Gln1440Ter)

Gene: TSC2 (TSC complex subunit 2; plus strand). Cytogenetic location: 16p13.3.
Variant type: single nucleotide variant.
Coding change: c.4318C>T on transcript NM_000548.5 (MANE Select); coding-DNA position 4318, C replaced by T.
Protein change: p.Gln1440Ter; replaces glutamine 1440 with a stop codon.
Molecular consequence: nonsense.
Genome position (GRCh38, 1-based): chr16:2,084,540, C>T. VCF-style: chr16-2084540-C-T. GRCh37 (hg19) VCF-style: chr16-2134541-C-T.
Other names: c.4117C>T, p.Gln1373Ter (NM_001077183.3); c.4249C>T, p.Gln1417Ter (NM_001114382.3); c.4009C>T, p.Gln1337Ter (NM_001318827.2); c.3973C>T, p.Gln1325Ter (NM_001318829.2); c.3586C>T, p.Gln1196Ter (NM_001318831.2); c.4150C>T, p.Gln1384Ter (NM_001318832.2); c.4120C>T, p.Gln1374Ter (NM_001363528.2); c.4186C>T, p.Gln1396Ter (NM_001370404.1); and 1 more; short protein forms Q1440*, Q1373*, Q1417*, Q1374*, Q1384*, Q1196*, Q1325*, Q1337*.
Identifiers: ClinVar variation 49524 (VCV000049524.9), dbSNP rs45517337, ClinGen allele CA020269.

ClinVar aggregate classification (germline): Pathogenic. Review status: criteria provided, multiple submitters, no conflicts (2 of 4 stars). 6 submissions from 6 submitters: Pathogenic (5). 1 of the submissions does not count toward it. Last evaluated 2025-12-15.

Conditions:
Tuberous sclerosis syndrome (TSC). Also called: Tuberous Sclerosis Complex; Tuberous sclerosis. Identifiers: Orphanet 805, MedGen C0041341, MONDO:0001734.
Tuberous sclerosis 2 (TSC2). Identifiers: Orphanet 805, MedGen C1860707, MONDO:0013199, OMIM 613254.

Submissions (6):

Institute of Human Genetics, University of Leipzig Medical Center
Classification: Pathogenic for Tuberous sclerosis 2. Last evaluated: 2025-12-15. Review status: criteria provided, single submitter. Criteria: ACMG Guidelines, 2015. Collection method: clinical testing. Allele origin: unknown. Inheritance: Autosomal dominant inheritance. Affected: yes.
Comment: Criteria applied: PVS1,PS4_MOD,PM2,PP4

Labcorp Genetics (formerly Invitae), Labcorp
Classification: Pathogenic for Tuberous sclerosis 2. Last evaluated: 2024-04-02. Review status: criteria provided, single submitter. Criteria: Invitae Variant Classification Sherloc (09022015). Collection method: clinical testing. Allele origin: germline.
Comment: This sequence change creates a premature translational stop signal (p.Gln1440*) in the TSC2 gene. It is expected to result in an absent or disrupted protein product. Loss-of-function variants in TSC2 are known to be pathogenic (PMID: 10205261, 17304050). This variant is not present in population databases (gnomAD no frequency). This premature translational stop signal has been observed in individual(s) with tuberous sclerosis complex (PMID: 32313033). In at least one individual the variant was observed to be de novo. ClinVar contains an entry for this variant (Variation ID: 49524). Algorithms developed to predict the effect of sequence changes on RNA splicing suggest that this variant may create or strengthen a splice site. For these reasons, this variant has been classified as Pathogenic.

Genome-Nilou Lab
Classification: Pathogenic for Tuberous sclerosis 2. Last evaluated: 2021-11-07. Review status: criteria provided, single submitter. Criteria: ACMG Guidelines, 2015. Collection method: clinical testing. Allele origin: germline. Affected: no.

GeneDx
Classification: Pathogenic. Last evaluated: 2017-10-19. Review status: criteria provided, single submitter. Criteria: GeneDx Variant Classification (06012015). Collection method: clinical testing. Allele origin: germline. Affected: yes.
Comment: The Q1440X nonsense variant in the TSC2 gene has been reported previously in association withtuberous sclerosis complex (TSC) (Au et al., 2007; TSC2 LOVD). This pathogenic variant is predictedto cause loss of normal protein function either through protein truncation or nonsense-mediatedmRNA decay. The Q1440X variant is not observed in large population cohorts (Lek et al., 2016).

Athena Diagnostics
Classification: Pathogenic for Tuberous sclerosis 2. Last evaluated: 2014-08-28. Review status: criteria provided, single submitter. Criteria: Athena Diagnostics Criteria. Collection method: clinical testing. Allele origin: germline. Inheritance: Autosomal dominant inheritance.

Tuberous sclerosis database (TSC2)
No classification provided. Condition: TSC. Review status: no classification provided. Criteria: Tuberous Sclerosis Database Assertion Criteria 2015. Collection method: curation. Allele origin: germline. Affected: yes. Not counted in ClinVar's aggregate classification.

Literature cited by the submitters: PubMed 10205261 (cited by Labcorp Genetics (formerly Invitae), Labcorp); PubMed 17304050 (cited by Labcorp Genetics (formerly Invitae), Labcorp and Athena Diagnostics); PubMed 32313033 (cited by Labcorp Genetics (formerly Invitae), Labcorp).